The following is an entry in ClinVar:

ClinVar aggregate classification (germline): Uncertain significance (1 of 4 stars; one submission).

Submission:

GeneDx
Classification: Uncertain significance. Last evaluated: 2025-06-30. Review status: criteria provided, single submitter. Criteria: GeneDx Variant Classification Process June 2021. Collection method: clinical testing. Allele origin: germline. Affected: yes.
Comment: Not observed at significant frequency in large population cohorts (gnomAD); In silico analysis suggests that this missense variant does not alter protein structure/function; Has not been previously published as pathogenic or benign to our knowledge

NM_001291415.2(KDM6A):c.3704A>G (p.Lys1235Arg)

Gene: KDM6A (lysine demethylase 6A; plus strand). Cytogenetic location: Xp11.3.
Variant type: single nucleotide variant.
Coding change: c.3704A>G on transcript NM_001291415.2 (MANE Select); coding-DNA position 3704, A replaced by G.
Protein change: p.Lys1235Arg; replaces lysine 1235 with arginine.
Molecular consequence: missense variant. On other transcripts: non-coding transcript variant (1).
Genome position (GRCh38, 1-based): chrX:45,085,979, A>G. VCF-style: chrX-45085979-A-G. GRCh37 (hg19) VCF-style: chrX-44945224-A-G.
Other names: c.3311A>G, p.Lys1104Arg (NM_001291418.2, NM_001419815.1); c.2660A>G, p.Lys887Arg (NM_001291421.2); c.3446A>G, p.Lys1149Arg (NM_001410742.1, NM_001419814.1); c.3704A>G, p.Lys1235Arg (NM_001419809.1); c.3602A>G, p.Lys1201Arg (NM_001419810.1, NM_001419813.1); c.3569A>G, p.Lys1190Arg (NM_001419811.1, NM_001291416.2); c.3548A>G, p.Lys1183Arg (NM_001419812.1, NM_021140.4); c.3413A>G, p.Lys1138Arg (NM_001291417.2); short protein forms K1104R, K1138R, K1149R, K1183R, K1190R, K1201R, K1235R, K887R.
Identifiers: ClinVar variation 4681059 (VCV004681059.1).